The following is an entry in ClinVar:

NM_001211.6(BUB1B):c.1922A>T (p.Glu641Val)

Gene: BUB1B (BUB1 mitotic checkpoint serine/threonine kinase B; plus strand). Cytogenetic location: 15q15.1.
Variant type: single nucleotide variant.
Coding change: c.1922A>T on transcript NM_001211.6 (MANE Select); coding-DNA position 1922, A replaced by T.
Protein change: p.Glu641Val; replaces glutamic acid 641 with valine.
Molecular consequence: missense variant.
Genome position (GRCh38, 1-based): chr15:40,206,371, A>T. VCF-style: chr15-40206371-A-T. GRCh37 (hg19) VCF-style: chr15-40498572-A-T.
Other names: short protein forms E641V.
Identifiers: ClinVar variation 1055083 (VCV001055083.12), dbSNP rs527987333, ClinGen allele CA268798131.

ClinVar aggregate classification (germline): Uncertain significance. Review status: criteria provided, multiple submitters, no conflicts (2 of 4 stars). 2 submissions from 2 submitters: Uncertain significance (2). Last evaluated 2025-09-22.

Conditions:
Inborn genetic diseases. Identifiers: MedGen C0950123, MeSH D030342.
Mosaic variegated aneuploidy syndrome 1 (MVA1). Also called: Warburton-Anyane-Yeboa syndrome. Identifiers: Orphanet 1052, MedGen C1850343, MONDO:0009759, OMIM 257300.

Allele frequency attached by ClinVar (database versions not stated): gnomAD 0.00001; gnomAD exomes below 0.00001 and 0.00001; 1000 Genomes Project 30x 0.00016; 1000 Genomes Project 0.00020.
gnomAD v4.1: 7 of 1,614,166 alleles (0.00043%); highest among the groups gnomAD compares: East Asian, 0.013%; no homozygotes.

Submissions (2):

Ambry Genetics
Classification: Uncertain significance for Inborn genetic diseases. Last evaluated: 2025-09-22. Review status: criteria provided, single submitter. Criteria: Ambry Variant Classification Scheme 2023. Collection method: clinical testing. Allele origin: germline.
Comment: The p.E641V variant (also known as c.1922A>T), located in coding exon 15 of the BUB1B gene, results from an A to T substitution at nucleotide position 1922. The glutamic acid at codon 641 is replaced by valine, an amino acid with dissimilar properties. This amino acid position is conserved. In addition, this alteration is predicted to be tolerated by in silico analysis. Since supporting evidence is limited at this time, the clinical significance of this alteration remains unclear.

Labcorp Genetics (formerly Invitae), Labcorp
Classification: Uncertain significance for Mosaic variegated aneuploidy syndrome 1. Last evaluated: 2025-04-30. Review status: criteria provided, single submitter. Criteria: Invitae Variant Classification Sherloc (09022015). Collection method: clinical testing. Allele origin: germline.
Comment: This sequence change replaces glutamic acid, which is acidic and polar, with valine, which is neutral and non-polar, at codon 641 of the BUB1B protein (p.Glu641Val). This variant is present in population databases (rs527987333, gnomAD 0.02%). This variant has not been reported in the literature in individuals affected with BUB1B-related conditions. ClinVar contains an entry for this variant (Variation ID: 1055083). An algorithm developed to predict the effect of missense changes on protein structure and function (PolyPhen-2) suggests that this variant is likely to be disruptive. In summary, the available evidence is currently insufficient to determine the role of this variant in disease. Therefore, it has been classified as a Variant of Uncertain Significance.